The following is an entry in ClinVar:

NM_052947.4(ALPK2):c.1019C>T (p.Ser340Phe)

Genes: ALPK2 (alpha kinase 2; minus strand), LOC114803473 (ALPK2 eExon liver enhancer; plus strand). Cytogenetic location: 18q21.31.
Variant type: single nucleotide variant.
Coding change: c.1019C>T on transcript NM_052947.4 (MANE Select); coding-DNA position 1019, C replaced by T.
Protein change: p.Ser340Phe; replaces serine 340 with phenylalanine.
Molecular consequence: missense variant.
Genome position (GRCh38, 1-based): chr18:58,579,757, G>A on the plus strand (C>T on the coding strand, the complement: ALPK2 is on the minus strand). VCF-style: chr18-58579757-G-A. GRCh37 (hg19) VCF-style: chr18-56246989-G-A.
Other names: short protein forms S340F.
Identifiers: ClinVar variation 3530528 (VCV003530528.1).

ClinVar aggregate classification (germline): Uncertain significance (1 of 4 stars; one submission).

Submission:

Ambry Genetics
Classification: Uncertain significance. Last evaluated: 2024-06-25. Review status: criteria provided, single submitter. Criteria: Ambry Variant Classification Scheme 2023. Collection method: clinical testing. Allele origin: germline.
Comment: The p.S340F variant (also known as c.1019C>T), located in coding exon 3 of the ALPK2 gene, results from a C to T substitution at nucleotide position 1019. The serine at codon 340 is replaced by phenylalanine, an amino acid with highly dissimilar properties. This amino acid position is conserved. In addition, this alteration is predicted to be tolerated by in silico analysis. Based on the available evidence, the clinical significance of this variant remains unclear.